The following is an entry in ClinVar:

NM_003212.4(CRIPTO):c.325G>C (p.Asp109His)

Gene: CRIPTO (cripto, EGF-CFC family member; plus strand). Cytogenetic location: 3p21.31.
Variant type: single nucleotide variant.
Coding change: c.325G>C on transcript NM_003212.4 (MANE Select); coding-DNA position 325, G replaced by C.
Protein change: p.Asp109His; replaces aspartic acid 109 with histidine.
Molecular consequence: missense variant.
Genome position (GRCh38, 1-based): chr3:46,579,840, G>C. VCF-style: chr3-46579840-G-C. GRCh37 (hg19) VCF-style: chr3-46621330-G-C.
Other names: c.277G>C, p.Asp93His (NM_001174136.2); short protein forms D109H, D93H.
Identifiers: ClinVar variation 618419 (VCV000618419.10), dbSNP rs148619685, ClinGen allele CA2356490.

ClinVar aggregate classification (germline): Likely benign (1 of 4 stars; one submission).

Allele frequency attached by ClinVar (database versions not stated): 1000 Genomes Project 30x 0.00016; 1000 Genomes Project 0.00020; TOPMed 0.00041; ExAC 0.00061; gnomAD exomes 0.00065; ESP Exome Variant Server 0.00069; gnomAD 0.00071 and 0.00072.
gnomAD v4.1: 898 of 1,614,124 alleles (0.056%); highest among the groups gnomAD compares: Non-Finnish European, 0.06%; 1 homozygote.

Submission:

ARUP Laboratories, Molecular Genetics and Genomics, ARUP Laboratories
Classification: Likely benign. Last evaluated: 2017-05-26. Review status: criteria provided, single submitter. Criteria: ARUP Molecular Germline Variant Investigation Process. Collection method: clinical testing. Allele origin: germline.
Comment: The p.Asp109His variant (rs148619685) has not been reported in association with holoprosencephaly in medical literature or in gene specific variation databases. This variant is listed in the genome Aggregation Database (gnomAD) with a Finnish population frequency of 0.2 percent (identified on 53 out of 25,792 chromosomes). The aspartic acid at position 109 is highly conserved, up to Cow (considering 11 species) (Alamut v.2.9.0) but computational analyses of the effects of the p.Asp109His variant on protein structure and function indicate a neutral effect (SIFT: tolerated, MutationTaster: polymorphism, PolyPhen-2: benign). Based on these observations, the p.Asp109His variant is likely to be benign.